The following is an entry in ClinVar:

ClinVar aggregate classification (germline): Uncertain significance. Review status: criteria provided, multiple submitters, no conflicts (2 of 4 stars). 2 submissions from 2 submitters: Uncertain significance (2). Last evaluated 2025-09-24.

Conditions:
Hereditary cancer-predisposing syndrome. Also called: Hereditary Cancer Syndrome; Hereditary neoplastic syndrome; Neoplastic Syndromes, Hereditary; Tumor predisposition. Identifiers: Orphanet 140162, MedGen C0027672, MeSH D009386, MONDO:0015356.
Ataxia-telangiectasia syndrome (AT). Also called: Ataxia-telangiectasia, complementation group D; Ataxia telangiectasia (A-T); ATAXIA-TELANGIECTASIA, COMPLEMENTATION GROUP A; LOUIS-BAR SYNDROME; Cerebello-oculocutaneous telangiectasia; Immunodeficiency with ataxia telangiectasia. Identifiers: Orphanet 100, MedGen C0004135, MONDO:0008840, OMIM 208900.

Submissions (2):

Ambry Genetics
Classification: Uncertain significance for Hereditary cancer-predisposing syndrome. Last evaluated: 2025-09-24. Review status: criteria provided, single submitter. Criteria: Ambry Variant Classification Scheme 2023. Collection method: clinical testing. Allele origin: germline.
Comment: The p.A1733V variant (also known as c.5198C>T), located in coding exon 34 of the ATM gene, results from a C to T substitution at nucleotide position 5198. The alanine at codon 1733 is replaced by valine, an amino acid with similar properties. This amino acid position is highly conserved in available vertebrate species. In addition, the in silico prediction for this alteration is inconclusive. Based on the available evidence, the clinical significance of this variant remains unclear.

Labcorp Genetics (formerly Invitae), Labcorp
Classification: Uncertain significance for Ataxia-telangiectasia syndrome. Last evaluated: 2022-10-08. Review status: criteria provided, single submitter. Criteria: Invitae Variant Classification Sherloc (09022015). Collection method: clinical testing. Allele origin: germline.
Comment: In summary, the available evidence is currently insufficient to determine the role of this variant in disease. Therefore, it has been classified as a Variant of Uncertain Significance. This sequence change replaces alanine, which is neutral and non-polar, with valine, which is neutral and non-polar, at codon 1733 of the ATM protein (p.Ala1733Val). This variant is not present in population databases (gnomAD no frequency). This variant has not been reported in the literature in individuals affected with ATM-related conditions. Algorithms developed to predict the effect of missense changes on protein structure and function are either unavailable or do not agree on the potential impact of this missense change (SIFT: "Deleterious"; PolyPhen-2: "Possibly Damaging"; Align-GVGD: "Class C0").

NM_000051.4(ATM):c.5198C>T (p.Ala1733Val)

Gene: ATM (ATM serine/threonine kinase; plus strand). Cytogenetic location: 11q22.3.
Variant type: single nucleotide variant.
Coding change: c.5198C>T on transcript NM_000051.4 (MANE Select); coding-DNA position 5198, C replaced by T.
Protein change: p.Ala1733Val; replaces alanine 1733 with valine.
Molecular consequence: missense variant.
Genome position (GRCh38, 1-based): chr11:108,301,668, C>T. VCF-style: chr11-108301668-C-T. GRCh37 (hg19) VCF-style: chr11-108172395-C-T.
Other names: c.5198C>T, p.Ala1733Val (NM_001351834.2); short protein forms A1733V.
Identifiers: ClinVar variation 1721230 (VCV001721230.9), dbSNP rs2135912181, ClinGen allele CA382542181.